The following is an entry in ClinVar:

NC_000006.11:g.(?_64940465)_(66063530_?)del

Gene: EYS (eyes shut homolog; minus strand). Cytogenetic location: 6q12.
Variant type: Deletion.
Identifiers: ClinVar variation 1459854 (VCV001459854.5).

ClinVar aggregate classification (germline): Pathogenic (1 of 4 stars; one submission).

Submission:

Labcorp Genetics (formerly Invitae), Labcorp
Classification: Pathogenic. Last evaluated: 2022-10-25. Review status: criteria provided, single submitter. Criteria: Invitae Variant Classification Sherloc (09022015). Collection method: clinical testing. Allele origin: germline.
Comment: For these reasons, this variant has been classified as Pathogenic. This variant has not been reported in the literature in individuals affected with EYS-related conditions. This variant is a gross deletion of the genomic region encompassing exon(s) 9-31 of the EYS gene. This deletion is out-of-frame, and is expected to create a premature termination codon and result in an absent or disrupted protein product. Loss-of-function variants in EYS are known to be pathogenic (PMID: 18836446, 20333770).

Literature cited by the submitters: PubMed 18836446; PubMed 20333770.